The following is an entry in ClinVar:

ClinVar aggregate classification (germline): Uncertain significance (1 of 4 stars; one submission).

Conditions:
Hereditary cancer-predisposing syndrome. Also called: Hereditary Cancer Syndrome; Hereditary neoplastic syndrome; Neoplastic Syndromes, Hereditary; Tumor predisposition. Identifiers: Orphanet 140162, MedGen C0027672, MeSH D009386, MONDO:0015356.

Allele frequency attached by ClinVar (database versions not stated): gnomAD exomes below 0.00001.
gnomAD v4.1: 1 of 1,613,760 alleles (0.000062%); highest among the groups gnomAD compares: Non-Finnish European, 0.000085%; no homozygotes.

Submission:

Ambry Genetics
Classification: Uncertain significance for Hereditary cancer-predisposing syndrome. Last evaluated: 2017-12-08. Review status: criteria provided, single submitter. Criteria: Ambry Variant Classification Scheme 2023. Collection method: clinical testing. Allele origin: germline.
Comment: The p.K461N variant (also known as c.1383G>C), located in coding exon 9 of the RAD50 gene, results from a G to C substitution at nucleotide position 1383. The lysine at codon 461 is replaced by asparagine, an amino acid with similar properties. This amino acid position is not well conserved in available vertebrate species. In addition, this alteration is predicted to be tolerated by in silico analysis. Since supporting evidence is limited at this time, the clinical significance of this alteration remains unclear.

NM_005732.4(RAD50):c.1383G>C (p.Lys461Asn)

Gene: RAD50 (RAD50 double strand break repair protein; plus strand). Cytogenetic location: 5q31.1.
Variant type: single nucleotide variant.
Coding change: c.1383G>C on transcript NM_005732.4 (MANE Select); coding-DNA position 1383, G replaced by C.
Protein change: p.Lys461Asn; replaces lysine 461 with asparagine.
Molecular consequence: missense variant.
Genome position (GRCh38, 1-based): chr5:132,589,768, G>C. VCF-style: chr5-132589768-G-C. GRCh37 (hg19) VCF-style: chr5-131925460-G-C.
Other names: short protein forms K461N.
Identifiers: ClinVar variation 1771342 (VCV001771342.2), dbSNP rs1580993520, ClinGen allele CA360944475.